The following is an entry in ClinVar:

NM_030665.4(RAI1):c.4917_4922del (p.Phe1640_Ser1641del)

Gene: RAI1 (retinoic acid induced 1; plus strand). Cytogenetic location: 17p11.2.
Variant type: Deletion.
Coding change: c.4917_4922del on transcript NM_030665.4 (MANE Select); coding-DNA positions 4917 to 4922, 6 bases deleted (GTTCTC; older notation c.4917_4922delGTTCTC).
Protein change: p.Phe1640_Ser1641del.
Molecular consequence: inframe deletion.
Genome position (GRCh38, 1-based): chr17:17,797,865-17,797,870, GTTCTC deleted; deleting any 6 consecutive bases within chr17:17,797,862-17,797,870 gives the same sequence; the c. name uses the placement nearest the transcript's 3' end. VCF-style (leftmost placement, unchanged base first): chr17-17797861-CCTCGTT-C. GRCh37 (hg19) VCF-style: chr17-17701175-CCTCGTT-C.
Other names: c.4917_4922del6 (NM_030665.3).
Identifiers: ClinVar variation 2020931 (VCV002020931.5), dbSNP rs2032321777, ClinGen allele CA2580093408.

ClinVar aggregate classification (germline): Conflicting classifications of pathogenicity. Review status: criteria provided, conflicting classifications (1 of 4 stars). 2 submissions from 2 submitters: Uncertain significance (1); Likely benign (1). Last evaluated 2026-01-30.

Conditions:
RAI1-related disorder. Also called: RAI1-related condition.

Submissions (2):

PreventionGenetics, part of Exact Sciences
Classification: Uncertain significance for RAI1-related condition. Last evaluated: 2026-01-30. Review status: criteria provided, single submitter. Criteria: ACMG Guidelines, 2015. Collection method: clinical testing. Allele origin: germline.
Comment: The RAI1 c.4917_4922del6 variant is predicted to result in an in-frame deletion (p.Phe1640_Ser1641del). To our knowledge, this variant has not been reported in the literature or in a large population database (gnomAD), indicating this variant is rare. At this time, the clinical significance of this variant is uncertain due to the absence of conclusive functional and genetic evidence.

Labcorp Genetics (formerly Invitae), Labcorp
Classification: Likely benign. Last evaluated: 2024-09-27. Review status: criteria provided, single submitter. Criteria: Invitae Variant Classification Sherloc (09022015). Collection method: clinical testing. Allele origin: germline.